The following is an entry in ClinVar:

ClinVar aggregate classification (germline): Uncertain significance. Review status: criteria provided, multiple submitters, no conflicts (2 of 4 stars). 2 submissions from 2 submitters: Uncertain significance (2). Last evaluated 2024-10-31.

Conditions:
Inborn genetic diseases. Identifiers: MedGen C0950123, MeSH D030342.
Charcot-Marie-Tooth disease axonal type 2P. Also called: CHARCOT-MARIE-TOOTH NEUROPATHY, TYPE 2P; Charcot-Marie-Tooth Neuropathy Type 2G; CHARCOT-MARIE-TOOTH DISEASE, AXONAL, TYPE 2G; CMT 2G. Identifiers: Orphanet 300319, Orphanet 99941, MedGen C3280797, MONDO:0013753, OMIM 614436.

Allele frequency attached by ClinVar (database versions not stated): ExAC 0.00002; gnomAD exomes 0.00002 and 0.00006; gnomAD 0.00004 and 0.00005; TOPMed 0.00004.
gnomAD v4.1: 96 of 1,612,484 alleles (0.006%); highest among the groups gnomAD compares: Non-Finnish European, 0.0077%; no homozygotes.

Submissions (2):

Labcorp Genetics (formerly Invitae), Labcorp
Classification: Uncertain significance for Charcot-Marie-Tooth disease axonal type 2P. Last evaluated: 2024-10-31. Review status: criteria provided, single submitter. Criteria: Invitae Variant Classification Sherloc (09022015). Collection method: clinical testing. Allele origin: germline.
Comment: This sequence change replaces tyrosine, which is neutral and polar, with cysteine, which is neutral and slightly polar, at codon 586 of the LRSAM1 protein (p.Tyr586Cys). This variant is present in population databases (rs768302528, gnomAD 0.004%). This variant has not been reported in the literature in individuals affected with LRSAM1-related conditions. ClinVar contains an entry for this variant (Variation ID: 952194). Invitae Evidence Modeling of protein sequence and biophysical properties (such as structural, functional, and spatial information, amino acid conservation, physicochemical variation, residue mobility, and thermodynamic stability) indicates that this missense variant is not expected to disrupt LRSAM1 protein function with a negative predictive value of 80%. In summary, the available evidence is currently insufficient to determine the role of this variant in disease. Therefore, it has been classified as a Variant of Uncertain Significance.

Ambry Genetics
Classification: Uncertain significance for Inborn genetic diseases. Last evaluated: 2023-06-14. Review status: criteria provided, single submitter. Criteria: Ambry Variant Classification Scheme 2023. Collection method: clinical testing. Allele origin: germline.

NM_001005373.4(LRSAM1):c.1757A>G (p.Tyr586Cys)

Gene: LRSAM1 (leucine rich repeat and sterile alpha motif containing 1; plus strand). Cytogenetic location: 9q33.3.
Variant type: single nucleotide variant.
Coding change: c.1757A>G on transcript NM_001005373.4 (MANE Select); coding-DNA position 1757, A replaced by G.
Protein change: p.Tyr586Cys; replaces tyrosine 586 with cysteine.
Molecular consequence: missense variant. On other transcripts: non-coding transcript variant (2).
Genome position (GRCh38, 1-based): chr9:127,496,022, A>G. VCF-style: chr9-127496022-A-G. GRCh37 (hg19) VCF-style: chr9-130258301-A-G.
Other names: c.1757A>G, p.Tyr586Cys (NM_001005374.4, NM_001384142.1, NM_138361.5); c.1676A>G, p.Tyr559Cys (NM_001190723.3); c.1658A>G, p.Tyr553Cys (NM_001384143.1); c.968A>G, p.Tyr323Cys (NM_001384144.1); c.1757A>G (NM_138361.4); short protein forms Y559C, Y586C, Y323C, Y553C.
Identifiers: ClinVar variation 952194 (VCV000952194.9), dbSNP rs768302528, ClinGen allele CA5247120.